The following is an entry in ClinVar:

NM_001013838.3(CARMIL2):c.1658C>A (p.Ala553Glu)

Gene: CARMIL2 (capping protein regulator and myosin 1 linker 2; plus strand). Cytogenetic location: 16q22.1.
Variant type: single nucleotide variant.
Coding change: c.1658C>A on transcript NM_001013838.3 (MANE Select); coding-DNA position 1658, C replaced by A.
Protein change: p.Ala553Glu; replaces alanine 553 with glutamic acid.
Molecular consequence: missense variant.
Genome position (GRCh38, 1-based): chr16:67,649,142, C>A. VCF-style: chr16-67649142-C-A. GRCh37 (hg19) VCF-style: chr16-67683045-C-A.
Other names: c.1550C>A, p.Ala517Glu (NM_001317026.3); short protein forms A553E, A517E.
Identifiers: ClinVar variation 2026815 (VCV002026815.4), dbSNP rs555548016, ClinGen allele CA396337236.

ClinVar aggregate classification (germline): Uncertain significance (1 of 4 stars; one submission).

Submission:

Labcorp Genetics (formerly Invitae), Labcorp
Classification: Uncertain significance. Last evaluated: 2022-04-11. Review status: criteria provided, single submitter. Criteria: Invitae Variant Classification Sherloc (09022015). Collection method: clinical testing. Allele origin: germline.
Comment: In summary, the available evidence is currently insufficient to determine the role of this variant in disease. Therefore, it has been classified as a Variant of Uncertain Significance. Algorithms developed to predict the effect of missense changes on protein structure and function are either unavailable or do not agree on the potential impact of this missense change (SIFT: "Tolerated"; PolyPhen-2: "Possibly Damaging"; Align-GVGD: "Class C0"). This variant has not been reported in the literature in individuals affected with CARMIL2-related conditions. This variant is not present in population databases (gnomAD no frequency). This sequence change replaces alanine, which is neutral and non-polar, with glutamic acid, which is acidic and polar, at codon 553 of the CARMIL2 protein (p.Ala553Glu).